The following is an entry in ClinVar:

ClinVar aggregate classification (germline): Uncertain significance (1 of 4 stars; one submission).

Conditions:
Muscular dystrophy-dystroglycanopathy type B6 (MDDGB6). Also called: MUSCULAR DYSTROPHY-DYSTROGLYCANOPATHY (CONGENITAL WITH IMPAIRED INTELLECTUAL DEVELOPMENT), TYPE B, 6; MUSCULAR DYSTROPHY, CONGENITAL, LARGE-RELATED; MUSCULAR DYSTROPHY, CONGENITAL, TYPE 1D. Identifiers: MedGen C1837229, MONDO:0012138, OMIM 608840.

Allele frequency attached by ClinVar (database versions not stated): gnomAD exomes below 0.00001.
gnomAD v4.1: 2 of 1,614,112 alleles (0.00012%); highest among the groups gnomAD compares: Non-Finnish European, 0.00017%; no homozygotes.

Submission:

Labcorp Genetics (formerly Invitae), Labcorp
Classification: Uncertain significance for Muscular dystrophy-dystroglycanopathy type B6. Last evaluated: 2022-08-16. Review status: criteria provided, single submitter. Criteria: Invitae Variant Classification Sherloc (09022015). Collection method: clinical testing. Allele origin: germline.
Comment: This sequence change replaces glycine, which is neutral and non-polar, with serine, which is neutral and polar, at codon 409 of the LARGE1 protein (p.Gly409Ser). This variant is not present in population databases (gnomAD no frequency). This variant has not been reported in the literature in individuals affected with LARGE1-related conditions. ClinVar contains an entry for this variant (Variation ID: 533117). Algorithms developed to predict the effect of missense changes on protein structure and function are either unavailable or do not agree on the potential impact of this missense change (SIFT: "Tolerated"; PolyPhen-2: "Probably Damaging"; Align-GVGD: "Class C0"). In summary, the available evidence is currently insufficient to determine the role of this variant in disease. Therefore, it has been classified as a Variant of Uncertain Significance.

NM_133642.5(LARGE1):c.1225G>A (p.Gly409Ser)

Gene: LARGE1 (LARGE xylosyl- and glucuronyltransferase 1; minus strand). Cytogenetic location: 22q12.3.
Variant type: single nucleotide variant.
Coding change: c.1225G>A on transcript NM_133642.5 (MANE Select); coding-DNA position 1225, G replaced by A.
Protein change: p.Gly409Ser; replaces glycine 409 with serine.
Molecular consequence: missense variant. On other transcripts: intron variant (2).
Genome position (GRCh38, 1-based): chr22:33,337,708, C>T on the plus strand (G>A on the coding strand, the complement: LARGE1 is on the minus strand). VCF-style: chr22-33337708-C-T. GRCh37 (hg19) VCF-style: chr22-33733694-C-T.
Other names: c.1225G>A, p.Gly409Ser (NM_001362949.2, NM_001362951.2, NM_001362953.2 and 6 more transcripts); c.622G>A, p.Gly208Ser (NM_001378630.1); c.1132-21460G>A (NM_001378629.1); c.529-21460G>A (NM_001378631.1); short protein forms G409S, G208S.
Identifiers: ClinVar variation 533117 (VCV000533117.6), dbSNP rs1555898776, ClinGen allele CA411543699.